The following is an entry in ClinVar:

NM_015873.4(VILL):c.1164del (p.Asp388fs)

Gene: VILL (villin like; plus strand). Cytogenetic location: 3p22.2.
Variant type: Deletion.
Coding change: c.1164del on transcript NM_015873.4 (MANE Select); coding-DNA position 1164, one base deleted (C; older notation c.1164delC).
Protein change: p.Asp388fs; shifts the reading frame from aspartic acid 388.
Molecular consequence: frameshift variant. On other transcripts: non-coding transcript variant (2).
Genome position (GRCh38, 1-based): chr3:37,999,421, C deleted. VCF-style (leftmost placement, unchanged base first): chr3-37999420-AC-A. GRCh37 (hg19) VCF-style: chr3-38040911-AC-A.
Other names: c.654del, p.Asp218fs (NM_001370264.1); c.555del, p.Asp185fs (NM_001370265.1); c.1164del, p.Asp388fs (NM_001385038.1, NM_001385039.1); short protein forms D185fs, D218fs, D388fs.
Identifiers: ClinVar variation 3033400 (VCV003033400.2), dbSNP rs781345346, ClinGen allele CA2312217.

ClinVar aggregate classification (germline): Likely benign (0 of 4 stars; one submission).

Conditions:
VILL-related disorder. Also called: VILL-related condition.

Allele frequency attached by ClinVar (database versions not stated): TOPMed 0.00019; gnomAD exomes 0.00036; ESP Exome Variant Server 0.00008; gnomAD 0.00064; ExAC 0.00118.

Submission:

PreventionGenetics, part of Exact Sciences
Classification: Likely benign for VILL-related condition. Last evaluated: 2022-02-09. Review status: no assertion criteria provided. Collection method: clinical testing. Allele origin: germline.
Comment: This variant is classified as likely benign based on ACMG/AMP sequence variant interpretation guidelines (Richards et al. 2015 PMID: 25741868, with internal and published modifications).